The following is an entry in ClinVar:

NM_020719.3(PRR12):c.2367C>T (p.Asp789=)

Gene: PRR12 (proline rich 12; plus strand). Cytogenetic location: 19q13.33.
Variant type: single nucleotide variant.
Coding change: c.2367C>T on transcript NM_020719.3 (MANE Select); coding-DNA position 2367, C replaced by T.
Protein change: p.Asp789=; no amino-acid change (aspartic acid 789 retained).
Molecular consequence: synonymous variant.
Genome position (GRCh38, 1-based): chr19:49,596,702, C>T. VCF-style: chr19-49596702-C-T. GRCh37 (hg19) VCF-style: chr19-50099959-C-T.
Identifiers: ClinVar variation 3051503 (VCV003051503.8), dbSNP rs369869295, ClinGen allele CA9578087.

ClinVar aggregate classification (germline): Likely benign. Review status: criteria provided, single submitter (1 of 4 stars). 2 submissions from 2 submitters: Likely benign (1). 1 of the submissions does not count toward it. Last evaluated 2026-06-01.

Conditions:
PRR12-related disorder. Also called: PRR12-related condition.

Allele frequency attached by ClinVar (database versions not stated): ESP Exome Variant Server 0.00033; gnomAD exomes 0.00055; gnomAD 0.00066; ExAC 0.00075; 1000 Genomes Project 30x 0.00031.
gnomAD v4.1: 894 of 1,606,556 alleles (0.056%); highest among the groups gnomAD compares: Non-Finnish European, 0.05%; 2 homozygotes.

Submissions (2):

CeGaT Center for Human Genetics Tuebingen
Classification: Likely benign. Last evaluated: 2026-06-01. Review status: criteria provided, single submitter. Criteria: CeGaT Center For Human Genetics Tuebingen Variant Classification Criteria Version 2. Collection method: clinical testing. Allele origin: germline. Affected: yes. Observed: 3 variant alleles.
Comment: PRR12: BP4, BP7

PreventionGenetics, part of Exact Sciences
Classification: Likely benign for PRR12-related condition. Last evaluated: 2020-01-10. Review status: no assertion criteria provided. Collection method: clinical testing. Allele origin: germline. Not counted in ClinVar's aggregate classification.
Comment: This variant is classified as likely benign based on ACMG/AMP sequence variant interpretation guidelines (Richards et al. 2015 PMID: 25741868, with internal and published modifications).